The following is an entry in ClinVar:

NM_001367561.1(DOCK7):c.1435C>T (p.Arg479Cys)

Gene: DOCK7 (dedicator of cytokinesis 7; minus strand). Cytogenetic location: 1p31.3.
Variant type: single nucleotide variant.
Coding change: c.1435C>T on transcript NM_001367561.1 (MANE Select); coding-DNA position 1435, C replaced by T.
Protein change: p.Arg479Cys; replaces arginine 479 with cysteine.
Molecular consequence: missense variant.
Genome position (GRCh38, 1-based): chr1:62,619,984, G>A on the plus strand (C>T on the coding strand, the complement: DOCK7 is on the minus strand). VCF-style: chr1-62619984-G-A. GRCh37 (hg19) VCF-style: chr1-63085655-G-A.
Other names: c.1435C>T, p.Arg479Cys (NM_001271999.2, NM_001272000.2, NM_001272001.2 and 3 more transcripts); short protein forms R479C.
Identifiers: ClinVar variation 1500023 (VCV001500023.8), dbSNP rs1216347623, ClinGen allele CA340614857.

ClinVar aggregate classification (germline): Uncertain significance (1 of 4 stars; one submission).

Conditions:
Developmental and epileptic encephalopathy, 23 (DEE23). Also called: Epileptic encephalopathy, early infantile, 23. Identifiers: Orphanet 411986, MedGen C4014492, MONDO:0014371, OMIM 615859.

Allele frequency attached by ClinVar (database versions not stated): TOPMed below 0.00001; gnomAD 0.00001.
gnomAD v4.1: 2 of 1,612,344 alleles (0.00012%); highest among the groups gnomAD compares: African/African-American, 0.0027%; no homozygotes.

Submission:

Labcorp Genetics (formerly Invitae), Labcorp
Classification: Uncertain significance for Developmental and epileptic encephalopathy, 23. Last evaluated: 2022-11-30. Review status: criteria provided, single submitter. Criteria: Invitae Variant Classification Sherloc (09022015). Collection method: clinical testing. Allele origin: germline.
Comment: ClinVar contains an entry for this variant (Variation ID: 1500023). In summary, the available evidence is currently insufficient to determine the role of this variant in disease. Therefore, it has been classified as a Variant of Uncertain Significance. Advanced modeling of protein sequence and biophysical properties (such as structural, functional, and spatial information, amino acid conservation, physicochemical variation, residue mobility, and thermodynamic stability) performed at Invitae indicates that this missense variant is not expected to disrupt DOCK7 protein function. This variant has not been reported in the literature in individuals affected with DOCK7-related conditions. This variant is present in population databases (no rsID available, gnomAD 0.01%). This sequence change replaces arginine, which is basic and polar, with cysteine, which is neutral and slightly polar, at codon 479 of the DOCK7 protein (p.Arg479Cys).